The following is an entry in ClinVar:

ClinVar aggregate classification (germline): Benign/Likely benign. Review status: criteria provided, multiple submitters, no conflicts (2 of 4 stars). 3 submissions from 3 submitters: Benign (1); Likely benign (2). Last evaluated 2025-10-12.

Conditions:
Prostate cancer, hereditary, 9 (HPC9). Identifiers: Orphanet 1331, MedGen C1970250, MONDO:0012597, OMIM 610997.
Hereditary cancer-predisposing syndrome. Also called: Tumor predisposition; Hereditary Cancer Syndrome; Hereditary neoplastic syndrome; Neoplastic Syndromes, Hereditary. Identifiers: Orphanet 140162, MedGen C0027672, MeSH D009386, MONDO:0015356.

Allele frequency attached by ClinVar (database versions not stated): gnomAD 0.00001; gnomAD exomes 0.00001; TOPMed 0.00001.
gnomAD v4.1: 6 of 1,613,622 alleles (0.00037%); highest among the groups gnomAD compares: African/African-American, 0.0013%; no homozygotes.

Submissions (3):

Labcorp Genetics (formerly Invitae), Labcorp
Classification: Likely benign. Last evaluated: 2025-10-12. Review status: criteria provided, single submitter. Criteria: Invitae Variant Classification Sherloc (09022015). Collection method: clinical testing. Allele origin: germline.

Myriad Genetics, Inc.
Classification: Benign for Prostate cancer, hereditary, 9. Last evaluated: 2024-10-30. Review status: criteria provided, single submitter. Criteria: Myriad Autosomal Dominant, Autosomal Recessive and X-Linked Classification Criteria (2023). Collection method: clinical testing. Allele origin: unknown.
Comment: This variant is considered benign. This variant is a silent/synonymous amino acid change and it is not expected to impact splicing.

Ambry Genetics
Classification: Likely benign for Hereditary cancer-predisposing syndrome. Last evaluated: 2017-03-10. Review status: criteria provided, single submitter. Criteria: Ambry Variant Classification Scheme 2023. Collection method: clinical testing. Allele origin: germline.

NM_006361.6(HOXB13):c.705T>C (p.Tyr235=)

Gene: HOXB13 (homeobox B13; minus strand). Cytogenetic location: 17q21.32.
Variant type: single nucleotide variant.
Coding change: c.705T>C on transcript NM_006361.6 (MANE Select); coding-DNA position 705, T replaced by C.
Protein change: p.Tyr235=; no amino-acid change (tyrosine 235 retained).
Molecular consequence: synonymous variant.
Genome position (GRCh38, 1-based): chr17:48,726,940, A>G on the plus strand (T>C on the coding strand, the complement: HOXB13 is on the minus strand). VCF-style: chr17-48726940-A-G. GRCh37 (hg19) VCF-style: chr17-46804302-A-G.
Identifiers: ClinVar variation 485691 (VCV000485691.15), dbSNP rs923773143, ClinGen allele CA291349115.
Genomic context (GRCh38, chr17:48,726,940, plus strand): 5'-GAGGCTGGTGGCTGCCGAGATCTTGCGCCTCTTGTCCTTGGTGATGAACTTGTTAGCCGC[A>G]TACTCCCGCTCCAGCTCCCGCAACTGCCCCTTGCTGTACGGAATGCGTTTCTTGCGGCCG-3'
Protein context (NP_006352.2, residues 225-245): KGQLRELERE[Tyr235=]AANKFITKDK